The following is an entry in ClinVar:

NM_152618.3(BBS12):c.1993G>A (p.Val665Ile)

Gene: BBS12 (Bardet-Biedl syndrome 12; plus strand). Cytogenetic location: 4q27.
Variant type: single nucleotide variant.
Coding change: c.1993G>A on transcript NM_152618.3 (MANE Select); coding-DNA position 1993, G replaced by A.
Protein change: p.Val665Ile; replaces valine 665 with isoleucine.
Molecular consequence: missense variant.
Genome position (GRCh38, 1-based): chr4:122,743,885, G>A. VCF-style: chr4-122743885-G-A. GRCh37 (hg19) VCF-style: chr4-123665040-G-A.
Other names: c.1993G>A (NM_152618.2); c.1993G>A, p.Val665Ile (NM_001178007.2); short protein forms V665I.
Identifiers: ClinVar variation 2040218 (VCV002040218.5), dbSNP rs369696220, ClinGen allele CA3069542.

ClinVar aggregate classification (germline): Conflicting classifications of pathogenicity. Review status: criteria provided, conflicting classifications (1 of 4 stars). 4 submissions from 4 submitters: Uncertain significance (3); Likely benign (1). Last evaluated 2026-05-15.

Conditions:
Inborn genetic diseases. Identifiers: MedGen C0950123, MeSH D030342.
Bardet-Biedl syndrome (BBS). Identifiers: Orphanet 110, MedGen C0752166, MONDO:0015229.
BBS12-related disorder. Also called: BBS12-related condition.

Allele frequency attached by ClinVar (database versions not stated): gnomAD 0.00001; TOPMed 0.00002; gnomAD exomes 0.00003; ExAC 0.00006; ESP Exome Variant Server 0.00023.
gnomAD v4.1: 47 of 1,604,252 alleles (0.0029%); highest among the groups gnomAD compares: Admixed American, 0.0051%; no homozygotes.

Submissions (4):

PreventionGenetics, part of Exact Sciences
Classification: Uncertain significance for BBS12-related condition. Last evaluated: 2026-05-15. Review status: criteria provided, single submitter. Criteria: ACMG Guidelines, 2015. Collection method: clinical testing. Allele origin: germline.
Comment: The BBS12 c.1993G>A variant is predicted to result in the amino acid substitution p.Val665Ile. To our knowledge, this variant has not been reported in the literature. This variant is reported in 0.0062% of alleles in individuals of African descent in gnomAD. At this time, the clinical significance of this variant is uncertain due to the absence of conclusive functional and genetic evidence.

Ambry Genetics
Classification: Likely benign for Inborn genetic diseases. Last evaluated: 2024-08-25. Review status: criteria provided, single submitter. Criteria: Ambry Variant Classification Scheme 2023. Collection method: clinical testing. Allele origin: germline.

Blueprint Genetics
Classification: Uncertain significance. Last evaluated: 2022-05-11. Review status: criteria provided, single submitter. Criteria: ACMG Guidelines, 2015. Collection method: clinical testing. Allele origin: germline.

Labcorp Genetics (formerly Invitae), Labcorp
Classification: Uncertain significance for Bardet-Biedl syndrome. Last evaluated: 2022-03-21. Review status: criteria provided, single submitter. Criteria: Invitae Variant Classification Sherloc (09022015). Collection method: clinical testing. Allele origin: germline.
Comment: This sequence change replaces valine, which is neutral and non-polar, with isoleucine, which is neutral and non-polar, at codon 665 of the BBS12 protein (p.Val665Ile). This variant is present in population databases (rs369696220, gnomAD 0.007%). This variant has not been reported in the literature in individuals affected with BBS12-related conditions. Algorithms developed to predict the effect of missense changes on protein structure and function output the following: SIFT: "Tolerated"; PolyPhen-2: "Benign"; Align-GVGD: "Class C0". The isoleucine amino acid residue is found in multiple mammalian species, which suggests that this missense change does not adversely affect protein function. In summary, the available evidence is currently insufficient to determine the role of this variant in disease. Therefore, it has been classified as a Variant of Uncertain Significance.